The following is an entry in ClinVar:

NM_000179.3(MSH6):c.2137del (p.Asp713fs)

Gene: MSH6 (mutS homolog 6; plus strand). Cytogenetic location: 2p16.3.
Variant type: Deletion.
Coding change: c.2137del on transcript NM_000179.3 (MANE Select); coding-DNA position 2137, one base deleted (G; older notation c.2137delG).
Protein change: p.Asp713fs; shifts the reading frame from aspartic acid 713.
Molecular consequence: frameshift variant.
Genome position (GRCh38, 1-based): chr2:47,800,120, G deleted; the last of 2 consecutive G bases (chr2:47,800,119-47,800,120); deleting either gives the same sequence. VCF-style (leftmost placement, unchanged base first): chr2-47800118-TG-T. GRCh37 (hg19) VCF-style: chr2-48027257-TG-T.
Other names: c.1747del, p.Asp583fs (NM_001281492.2); c.1231del, p.Asp411fs (NM_001281493.2, NM_001281494.2); c.2136delG (NM_000179.2); short protein forms D411fs, D583fs, D713fs.
Identifiers: ClinVar variation 219795 (VCV000219795.11), dbSNP rs864622257, ClinGen allele CA348005.

ClinVar aggregate classification (germline): Pathogenic. Review status: criteria provided, multiple submitters, no conflicts (2 of 4 stars). 3 submissions from 2 submitters: Pathogenic (3). Last evaluated 2022-02-24.

Conditions:
Hereditary cancer-predisposing syndrome. Also called: Hereditary neoplastic syndrome; Tumor predisposition; Hereditary Cancer Syndrome; Neoplastic Syndromes, Hereditary. Identifiers: Orphanet 140162, MedGen C0027672, MeSH D009386, MONDO:0015356.
Hereditary nonpolyposis colorectal neoplasms. Identifiers: MedGen C0009405, MeSH D003123.
Lynch syndrome. Identifiers: Orphanet 144, MedGen C4552100, MONDO:0005835. Disease mechanism: loss of function.

Submissions (3):

Labcorp Genetics (formerly Invitae), Labcorp
Classification: Pathogenic for Hereditary nonpolyposis colorectal neoplasms. Last evaluated: 2022-02-24. Review status: criteria provided, single submitter. Criteria: Invitae Variant Classification Sherloc (09022015). Collection method: clinical testing. Allele origin: germline.
Comment: For these reasons, this variant has been classified as Pathogenic. ClinVar contains an entry for this variant (Variation ID: 219795). This variant is also known as c.2136delG. This premature translational stop signal has been observed in individual(s) with breast cancer (PMID: 29785153, 31159747). This variant is not present in population databases (gnomAD no frequency). This sequence change creates a premature translational stop signal (p.Asp713Ilefs*23) in the MSH6 gene. It is expected to result in an absent or disrupted protein product. Loss-of-function variants in MSH6 are known to be pathogenic (PMID: 18269114, 24362816).

GeneKor MSA
Classification: Pathogenic for Hereditary cancer-predisposing syndrome. Last evaluated: 2020-01-01. Review status: criteria provided, single submitter. Criteria: ACMG Guidelines, 2015. Collection method: clinical testing. Allele origin: germline. Affected: yes.
Comment: This variant is a single base pair deletion from exon 4 of the MSH6 mRNA, causing a frameshift at codon 713 and this creates a premature translational stop signal after 23 amino acid residues. This is expected to result in an absent or disrupted protein product. Truncating variants in MSH6 are known to be pathogenic (PMID: 24362816, 18269114). This variant has been described in the international literature in an individual undergoing panel testing for hereditary syndrome (PMID: 31159747). The mutation database ClinVar contains entries for this variant (Variation ID:219795).

Labcorp Genetics (formerly Invitae), Labcorp
Classification: Pathogenic for Hereditary nonpolyposis colorectal neoplasms. Last evaluated: 2015-08-08. Review status: criteria provided, single submitter. Criteria: Invitae Variant Classification Sherloc (09022015). Collection method: clinical testing. Allele origin: germline.
Comment: This sequence change deletes 1 nucleotide from exon 4 of the MSH6 mRNA (c.2136delG), causing a frameshift at codon 713. This creates a premature translational stop signal (p.Asp713Ilefs*23) and is expected to result in an absent or disrupted protein product. While this particular variant has not been reported in the literature, truncating variants in MSH6 are known to be pathogenic (PMID: 24362816, 18269114). For these reasons, this variant has been classified as Pathogenic.

Literature cited by the submitters: PubMed 29785153 (cited by Labcorp Genetics (formerly Invitae), Labcorp); PubMed 31159747 (cited by Labcorp Genetics (formerly Invitae), Labcorp); PubMed 18269114 (cited by Labcorp Genetics (formerly Invitae), Labcorp); PubMed 24362816 (cited by Labcorp Genetics (formerly Invitae), Labcorp).